The following is an entry in ClinVar:

NM_001291303.3(FAT4):c.7114A>G (p.Thr2372Ala)

Gene: FAT4 (FAT atypical cadherin 4; plus strand). Cytogenetic location: 4q28.1.
Variant type: single nucleotide variant.
Coding change: c.7114A>G on transcript NM_001291303.3 (MANE Select); coding-DNA position 7114, A replaced by G.
Protein change: p.Thr2372Ala; replaces threonine 2372 with alanine.
Molecular consequence: missense variant.
Genome position (GRCh38, 1-based): chr4:125,434,340, A>G. VCF-style: chr4-125434340-A-G. GRCh37 (hg19) VCF-style: chr4-126355495-A-G.
Other names: c.7114A>G, p.Thr2372Ala (NM_001291285.3, NM_024582.6); short protein forms T2372A.
Identifiers: ClinVar variation 2584964 (VCV002584964.1), dbSNP rs556282890, ClinGen allele CA358135262.
Genomic context (GRCh38, chr4:125,434,340, plus strand): 5'-GTCATAGTAGATGATGTCAATGACAATGTCCCCACATTTGCCAGTAAAGCGTATTTCACA[A>G]CAATTCCTGAGGATGCACCAACTGGAACAGATGTTTTATTGGTAAATGCCTCAGATGCTG-3'
Protein context (NP_001278232.1, residues 2362-2382): PTFASKAYFT[Thr2372Ala]IPEDAPTGTD

ClinVar aggregate classification (germline): Uncertain significance (1 of 4 stars; one submission).

Conditions:
Van Maldergem syndrome 2 (VMLDS2). Identifiers: Orphanet 314679, MedGen C3809875, MONDO:0014242, OMIM 615546.

Allele frequency attached by ClinVar (database versions not stated): gnomAD exomes 0.00001.
gnomAD v4.1: 8 of 1,613,998 alleles (0.0005%); highest among the groups gnomAD compares: East Asian, 0.0089%; no homozygotes.

Submission:

Neuberg Centre For Genomic Medicine, NCGM
Classification: Uncertain significance for Van Maldergem syndrome 2. Review status: criteria provided, single submitter. Criteria: ACMG Guidelines, 2015. Collection method: clinical testing. Allele origin: germline. Inheritance: Autosomal recessive inheritance. Affected: yes.
Comment: The missense variant c.7114A>G (p.Thr2372Ala) in FAT4 gene has not been reported previously as a pathogenic variant nor as a benign variant, to our knowledge. The p.Thr2372Ala variant is novel (not in any individuals) in 1000 Genomes and allele frequency of 0.0004% is reported in gnomAD. The amino acid Thr at position 2372 is changed to a Ala changing protein sequence and it might alter its composition and physico-chemical properties. The amino acid change p.Thr2372Ala in FAT4 is predicted as conserved by PhyloP across 100 vertebrates. For these reasons, this variant has been classified as Uncertain Significance.